The following is an entry in ClinVar:

ClinVar aggregate classification (germline): Uncertain significance (1 of 4 stars; one submission).

Allele frequency attached by ClinVar (database versions not stated): ExAC 0.00002; gnomAD exomes 0.00002.

Submission:

Labcorp Genetics (formerly Invitae), Labcorp
Classification: Uncertain significance. Last evaluated: 2025-10-22. Review status: criteria provided, single submitter. Criteria: Invitae Variant Classification Sherloc (09022015). Collection method: clinical testing. Allele origin: germline.
Comment: This sequence change replaces alanine, which is neutral and non-polar, with threonine, which is neutral and polar, at codon 306 of the VPS33A protein (p.Ala306Thr). This variant is present in population databases (rs756582745, gnomAD 0.01%). This variant has not been reported in the literature in individuals affected with VPS33A-related conditions. ClinVar contains an entry for this variant (Variation ID: 1440297). Invitae Evidence Modeling of protein sequence and biophysical properties (such as structural, functional, and spatial information, amino acid conservation, physicochemical variation, residue mobility, and thermodynamic stability) indicates that this missense variant is not expected to disrupt VPS33A protein function with a negative predictive value of 80%. In summary, the available evidence is currently insufficient to determine the role of this variant in disease. Therefore, it has been classified as a Variant of Uncertain Significance.

NM_022916.6(VPS33A):c.916G>A (p.Ala306Thr)

Gene: VPS33A (VPS33A core subunit of CORVET and HOPS complexes; minus strand). Cytogenetic location: 12q24.31.
Variant type: single nucleotide variant.
Coding change: c.916G>A on transcript NM_022916.6 (MANE Select); coding-DNA position 916, G replaced by A.
Protein change: p.Ala306Thr; replaces alanine 306 with threonine.
Molecular consequence: missense variant. On other transcripts: intron variant (1).
Genome position (GRCh38, 1-based): chr12:122,244,622, C>T on the plus strand (G>A on the coding strand, the complement: VPS33A is on the minus strand). VCF-style: chr12-122244622-C-T. GRCh37 (hg19) VCF-style: chr12-122729169-C-T.
Other names: c.883G>A, p.Ala295Thr (NM_001351018.2); c.868G>A, p.Ala290Thr (NM_001351019.2); c.776-4677G>A (NM_001351020.2); short protein forms A290T, A295T, A306T.
Identifiers: ClinVar variation 1440297 (VCV001440297.4), dbSNP rs756582745, ClinGen allele CA6844479.